The following is an entry in ClinVar:

ClinVar aggregate classification (germline): Uncertain significance. Review status: criteria provided, multiple submitters, no conflicts (2 of 4 stars). 3 submissions from 3 submitters: Uncertain significance (3). Last evaluated 2026-05-21.

Conditions:
FADD-related immunodeficiency. Also called: FADD DEFICIENCY; Infections, recurrent, with encephalopathy, hepatic dysfunction, and cardiovascular malformations. Identifiers: Orphanet 306550, MedGen C3151062, MONDO:0013408, OMIM 613759.
FADD-related disorder. Also called: FADD-related condition.
Inborn genetic diseases. Identifiers: MedGen C0950123, MeSH D030342.

Allele frequency attached by ClinVar (database versions not stated): gnomAD exomes below 0.00001; ExAC 0.00001; gnomAD 0.00001; TOPMed 0.00001.

Submissions (3):

PreventionGenetics, part of Exact Sciences
Classification: Uncertain significance for FADD-related condition. Last evaluated: 2026-05-21. Review status: criteria provided, single submitter. Criteria: ACMG Guidelines, 2015. Collection method: clinical testing. Allele origin: germline.
Comment: The FADD c.578T>C variant is predicted to result in the amino acid substitution p.Met193Thr. To our knowledge, this variant has not been reported in the literature. This variant is reported in 0.0028% of alleles in individuals of Latino descent in gnomAD and is classified as uncertain in ClinVar (Variation ID: 1913323). At this time, the clinical significance of this variant is uncertain due to the absence of conclusive functional and genetic evidence.

Ambry Genetics
Classification: Uncertain significance for Inborn genetic diseases. Last evaluated: 2025-02-13. Review status: criteria provided, single submitter. Criteria: Ambry Variant Classification Scheme 2023. Collection method: clinical testing. Allele origin: germline.

Labcorp Genetics (formerly Invitae), Labcorp
Classification: Uncertain significance for FADD-related immunodeficiency. Last evaluated: 2023-10-13. Review status: criteria provided, single submitter. Criteria: Invitae Variant Classification Sherloc (09022015). Collection method: clinical testing. Allele origin: germline.
Comment: This sequence change replaces methionine, which is neutral and non-polar, with threonine, which is neutral and polar, at codon 193 of the FADD protein (p.Met193Thr). This variant is present in population databases (rs762012763, gnomAD 0.002%). This variant has not been reported in the literature in individuals affected with FADD-related conditions. ClinVar contains an entry for this variant (Variation ID: 1913323). Algorithms developed to predict the effect of missense changes on protein structure and function output the following: SIFT: "Not Available"; PolyPhen-2: "Benign"; Align-GVGD: "Not Available". The threonine amino acid residue is found in multiple mammalian species, which suggests that this missense change does not adversely affect protein function. In summary, the available evidence is currently insufficient to determine the role of this variant in disease. Therefore, it has been classified as a Variant of Uncertain Significance.

NM_003824.4(FADD):c.578T>C (p.Met193Thr)

Gene: FADD (Fas associated via death domain; plus strand). Cytogenetic location: 11q13.3.
Variant type: single nucleotide variant.
Coding change: c.578T>C on transcript NM_003824.4 (MANE Select); coding-DNA position 578, T replaced by C.
Protein change: p.Met193Thr; replaces methionine 193 with threonine.
Molecular consequence: missense variant.
Genome position (GRCh38, 1-based): chr11:70,206,424, T>C. VCF-style: chr11-70206424-T-C. GRCh37 (hg19) VCF-style: chr11-70052530-T-C.
Other names: short protein forms M193T.
Identifiers: ClinVar variation 1913323 (VCV001913323.5), dbSNP rs762012763, ClinGen allele CA6158507.